The following is an entry in ClinVar:

ClinVar aggregate classification (germline): Uncertain significance. Review status: criteria provided, multiple submitters, no conflicts (2 of 4 stars). 2 submissions from 2 submitters: Uncertain significance (2). Last evaluated 2024-03-21.

Conditions:
Leber congenital amaurosis 12 (LCA12). Identifiers: Orphanet 65, MedGen C1857743, MONDO:0012525, OMIM 610612.

Allele frequency attached by ClinVar (database versions not stated): ExAC 0.00001; gnomAD exomes 0.00001 and 0.00002; TOPMed 0.00002; ESP Exome Variant Server 0.00008.
gnomAD v4.1: 17 of 1,596,414 alleles (0.0011%); highest among the groups gnomAD compares: Non-Finnish European, 0.0014%; no homozygotes.

Submissions (2):

Blueprint Genetics
Classification: Uncertain significance. Last evaluated: 2024-03-21. Review status: criteria provided, single submitter. Criteria: ACMG Guidelines, 2015. Collection method: clinical testing. Allele origin: germline.

Labcorp Genetics (formerly Invitae), Labcorp
Classification: Uncertain significance for Leber congenital amaurosis 12. Last evaluated: 2021-03-07. Review status: criteria provided, single submitter. Criteria: Invitae Variant Classification Sherloc (09022015). Collection method: clinical testing. Allele origin: germline.
Comment: This sequence change disrupts the translational stop signal of the RD3 mRNA. It is expected to extend the length of the RD3 protein by 20 additional amino acid residues. This variant is present in population databases (rs370045355, ExAC 0.002%). This variant has not been reported in the literature in individuals with RD3-related conditions. In summary, the available evidence is currently insufficient to determine the role of this variant in disease. Therefore, it has been classified as a Variant of Uncertain Significance.

NM_001164688.2(RD3):c.587G>C (p.Ter196Ser)

Gene: RD3 (RD3 regulator of GUCY2D; minus strand). Cytogenetic location: 1q32.3.
Variant type: single nucleotide variant.
Coding change: c.587G>C on transcript NM_001164688.2 (MANE Select); coding-DNA position 587, G replaced by C.
Protein change: p.Ter196Ser.
Molecular consequence: stop lost.
Genome position (GRCh38, 1-based): chr1:211,479,037, C>G on the plus strand (G>C on the coding strand, the complement: RD3 is on the minus strand). VCF-style: chr1-211479037-C-G. GRCh37 (hg19) VCF-style: chr1-211652379-C-G.
Other names: c.587G>C, p.Ter196Ser (NM_183059.3).
Identifiers: ClinVar variation 1501944 (VCV001501944.8), dbSNP rs370045355, ClinGen allele CA1381036.
Genomic context (GRCh38, chr1:211,479,037, plus strand): 5'-CACCGGCCTATCATTCCCCCTGCAGAAGGCTCCGCTTCTGGGCAGGGAAGCGGCCGGGGT[C>G]AGTCGGCTTTGGGCGCCCGGAATTCGGGCATGCTCCAGGACCGCAGTGGCGGCGGTGTGT-3'